The following is an entry in ClinVar:

ClinVar aggregate classification (germline): Uncertain significance. Review status: criteria provided, multiple submitters, no conflicts (2 of 4 stars). 3 submissions from 3 submitters: Uncertain significance (2). 1 of the submissions does not count toward it. Last evaluated 2023-03-20.

Conditions:
Nemaline myopathy 2 (NEM2). Also called: Nemaline myopathy 2, autosomal recessive. Identifiers: MedGen C1850569, MONDO:0009725, OMIM 256030.

Allele frequency attached by ClinVar (database versions not stated): gnomAD 0.00001 and 0.00002; TOPMed 0.00001; ExAC 0.00003; gnomAD exomes 0.00003 and 0.00006; 1000 Genomes Project 30x 0.00016; 1000 Genomes Project 0.00020.
gnomAD v4.1: 56 of 1,613,858 alleles (0.0035%); highest among the groups gnomAD compares: Middle Eastern, 0.083%; no homozygotes.

Submissions (3):

Revvity Omics, Revvity
Classification: Uncertain significance. Last evaluated: 2023-03-20. Review status: criteria provided, single submitter. Criteria: ACMG Guidelines, 2015. Collection method: clinical testing. Allele origin: germline.

Labcorp Genetics (formerly Invitae), Labcorp
Classification: Uncertain significance for Nemaline myopathy 2. Last evaluated: 2022-08-16. Review status: criteria provided, single submitter. Criteria: Invitae Variant Classification Sherloc (09022015). Collection method: clinical testing. Allele origin: germline.
Comment: This sequence change replaces isoleucine, which is neutral and non-polar, with threonine, which is neutral and polar, at codon 4080 of the NEB protein (p.Ile4080Thr). This variant is present in population databases (rs557283717, gnomAD 0.02%). This variant has not been reported in the literature in individuals affected with NEB-related conditions. ClinVar contains an entry for this variant (Variation ID: 660010). Algorithms developed to predict the effect of missense changes on protein structure and function are either unavailable or do not agree on the potential impact of this missense change (SIFT: "Deleterious"; PolyPhen-2: "Not Available"; Align-GVGD: "Class C0"). In summary, the available evidence is currently insufficient to determine the role of this variant in disease. Therefore, it has been classified as a Variant of Uncertain Significance.

Natera, Inc.
Classification: Uncertain significance for Nemaline myopathy type 2. Last evaluated: 2020-03-10. Review status: no assertion criteria provided. Collection method: clinical testing. Allele origin: germline. Not counted in ClinVar's aggregate classification.

NM_001164508.2(NEB):c.12239T>C (p.Ile4080Thr)

Gene: NEB (nebulin; minus strand). Cytogenetic location: 2q23.3.
Variant type: single nucleotide variant.
Coding change: c.12239T>C on transcript NM_001164508.2 (MANE Select); coding-DNA position 12239, T replaced by C.
Protein change: p.Ile4080Thr; replaces isoleucine 4080 with threonine.
Molecular consequence: missense variant.
Genome position (GRCh38, 1-based): chr2:151,609,900, A>G on the plus strand (T>C on the coding strand, the complement: NEB is on the minus strand). VCF-style: chr2-151609900-A-G. GRCh37 (hg19) VCF-style: chr2-152466414-A-G.
Other names: c.12239T>C, p.Ile4080Thr (NM_001164507.2, NM_001271208.2); c.11510T>C, p.Ile3837Thr (NM_004543.5); short protein forms I4080T, I3837T.
Identifiers: ClinVar variation 660010 (VCV000660010.8), dbSNP rs557283717, ClinGen allele CA1908569.